The following is an entry in ClinVar:

NM_025215.6(PUS1):c.413C>T (p.Ser138Phe)

Genes: PUS1 (pseudouridine synthase 1; plus strand), LOC132090059 (Neanderthal introgressed variant-containing enhancer experimental_25941; plus strand). Cytogenetic location: 12q24.33.
Variant type: single nucleotide variant.
Coding change: c.413C>T on transcript NM_025215.6 (MANE Select); coding-DNA position 413, C replaced by T.
Protein change: p.Ser138Phe; replaces serine 138 with phenylalanine.
Molecular consequence: missense variant.
Genome position (GRCh38, 1-based): chr12:131,932,284, C>T. VCF-style: chr12-131932284-C-T. GRCh37 (hg19) VCF-style: chr12-132416829-C-T.
Other names: c.329C>T, p.Ser110Phe (NM_001002019.3, NM_001002020.3); short protein forms S110F, S138F.
Identifiers: ClinVar variation 1914829 (VCV001914829.2), dbSNP rs2540862797, ClinGen allele CA387298107.

ClinVar aggregate classification (germline): Uncertain significance (1 of 4 stars; one submission).

Allele frequency attached by ClinVar (database versions not stated): gnomAD exomes below 0.00001.
gnomAD v4.1: 2 of 1,613,888 alleles (0.00012%); highest among the groups gnomAD compares: Non-Finnish European, 0.00017%; no homozygotes.

Submission:

Labcorp Genetics (formerly Invitae), Labcorp
Classification: Uncertain significance. Last evaluated: 2022-04-29. Review status: criteria provided, single submitter. Criteria: Invitae Variant Classification Sherloc (09022015). Collection method: clinical testing. Allele origin: germline.
Comment: This sequence change replaces serine, which is neutral and polar, with phenylalanine, which is neutral and non-polar, at codon 138 of the PUS1 protein (p.Ser138Phe). This variant is not present in population databases (gnomAD no frequency). This variant has not been reported in the literature in individuals affected with PUS1-related conditions. Algorithms developed to predict the effect of missense changes on protein structure and function are either unavailable or do not agree on the potential impact of this missense change (SIFT: "Tolerated"; PolyPhen-2: "Probably Damaging"; Align-GVGD: "Class C0"). In summary, the available evidence is currently insufficient to determine the role of this variant in disease. Therefore, it has been classified as a Variant of Uncertain Significance.